The following is an entry in ClinVar:

NM_001005361.3(DNM2):c.676C>T (p.Pro226Ser)

Gene: DNM2 (dynamin 2; plus strand). Cytogenetic location: 19p13.2.
Variant type: single nucleotide variant.
Coding change: c.676C>T on transcript NM_001005361.3 (MANE Select); coding-DNA position 676, C replaced by T.
Protein change: p.Pro226Ser; replaces proline 226 with serine.
Molecular consequence: missense variant.
Genome position (GRCh38, 1-based): chr19:10,777,204, C>T. VCF-style: chr19-10777204-C-T. GRCh37 (hg19) VCF-style: chr19-10887880-C-T.
Other names: c.676C>T (NM_001005360.2); c.676C>T, p.Pro226Ser (NM_001005360.3, NM_001005362.3, NM_001190716.2 and 1 more transcripts); short protein forms P226S.
Identifiers: ClinVar variation 1466536 (VCV001466536.8), dbSNP rs757892950, ClinGen allele CA9200854.
Genomic context (GRCh38, chr19:10,777,204, plus strand): 5'-AAGCTTGACCTGATGGACGAGGGCACCGACGCCAGGGACGTCTTGGAGAACAAGTTGCTC[C>T]CGTTGAGAAGAGGTGTGGCTTTGGGGGTGCTGGGGAAGCAGGAGGATGGGTGGGGTCCTT-3'
Protein context (NP_001005361.1, residues 216-236): ARDVLENKLL[Pro226Ser]LRRGYIGVVN

ClinVar aggregate classification (germline): Conflicting classifications of pathogenicity. Review status: criteria provided, conflicting classifications (1 of 4 stars). 3 submissions from 3 submitters: Uncertain significance (2); Likely benign (1). Last evaluated 2024-02-20.

Conditions:
Inborn genetic diseases. Identifiers: MedGen C0950123, MeSH D030342.
Charcot-Marie-Tooth disease dominant intermediate B (CMTDIB). Also called: Charcot-Marie-Tooth disease dominant intermediate 1; CMT DI1; Charcot-Marie-Tooth disease dominant intermediate I; CHARCOT-MARIE-TOOTH NEUROPATHY, DOMINANT INTERMEDIATE B. Identifiers: Orphanet 100044, Orphanet 228179, MedGen C1847902, MONDO:0011674, OMIM 606482.

Allele frequency attached by ClinVar (database versions not stated): gnomAD exomes below 0.00001 and 0.00002; TOPMed below 0.00001; ExAC 0.00002.

Submissions (3):

Labcorp Genetics (formerly Invitae), Labcorp
Classification: Uncertain significance for Charcot-Marie-Tooth disease dominant intermediate B. Last evaluated: 2024-02-20. Review status: criteria provided, single submitter. Criteria: Invitae Variant Classification Sherloc (09022015). Collection method: clinical testing. Allele origin: germline.
Comment: This sequence change replaces proline, which is neutral and non-polar, with serine, which is neutral and polar, at codon 226 of the DNM2 protein (p.Pro226Ser). This variant is present in population databases (rs757892950, gnomAD 0.01%). This variant has not been reported in the literature in individuals affected with DNM2-related conditions. ClinVar contains an entry for this variant (Variation ID: 1466536). Advanced modeling of protein sequence and biophysical properties (such as structural, functional, and spatial information, amino acid conservation, physicochemical variation, residue mobility, and thermodynamic stability) has been performed at Invitae for this missense variant, however the output from this modeling did not meet the statistical confidence thresholds required to predict the impact of this variant on DNM2 protein function. In summary, the available evidence is currently insufficient to determine the role of this variant in disease. Therefore, it has been classified as a Variant of Uncertain Significance.

Ambry Genetics
Classification: Likely benign for Inborn genetic diseases. Last evaluated: 2024-02-13. Review status: criteria provided, single submitter. Criteria: Ambry Variant Classification Scheme 2023. Collection method: clinical testing. Allele origin: germline.

Revvity Omics, Revvity
Classification: Uncertain significance. Last evaluated: 2020-09-23. Review status: criteria provided, single submitter. Criteria: ACMG Guidelines, 2015. Collection method: clinical testing. Allele origin: germline.